The following is an entry in ClinVar:

ClinVar aggregate classification (germline): Uncertain significance. Review status: criteria provided, single submitter (1 of 4 stars). 3 submissions from 3 submitters: Uncertain significance (1). 2 of the submissions do not count toward it. Last evaluated 2022-08-22.

Conditions:
Mucopolysaccharidosis, MPS-III-B (MPS3B). Also called: SANFILIPPO SYNDROME B; MPS III B; MUCOPOLYSACCHARIDOSIS, TYPE IIIB; Mucopolysaccharidosis type IIIB (Sanfilippo B); MPS IIIB (Sanfilippo Syndrome Type B); N-ACETYL-ALPHA-D-GLUCOSAMINIDASE DEFICIENCY. Identifiers: Orphanet 79270, MedGen C0086648, MONDO:0009656, OMIM 252920.
Charcot-Marie-Tooth disease axonal type 2V. Also called: CHARCOT-MARIE-TOOTH NEUROPATHY, TYPE 2V; CHARCOT-MARIE-TOOTH DISEASE, AXONAL, AUTOSOMAL DOMINANT, TYPE 2V. Identifiers: Orphanet 447964, MedGen C5569050, MONDO:0014665, OMIM 616491.

Submissions (3):

Labcorp Genetics (formerly Invitae), Labcorp
Classification: Uncertain significance for Charcot-Marie-Tooth disease axonal type 2V; Mucopolysaccharidosis, MPS-III-B. Last evaluated: 2022-08-22. Review status: criteria provided, single submitter. Criteria: Invitae Variant Classification Sherloc (09022015). Collection method: clinical testing. Allele origin: germline.
Comment: This variant, c.202_203insCCG, results in the insertion of 1 amino acid(s) of the NAGLU protein (p.Leu67_Gly68insAla), but otherwise preserves the integrity of the reading frame. This variant is not present in population databases (gnomAD no frequency). This variant has not been reported in the literature in individuals affected with NAGLU-related conditions. ClinVar contains an entry for this variant (Variation ID: 551933). In summary, the available evidence is currently insufficient to determine the role of this variant in disease. Therefore, it has been classified as a Variant of Uncertain Significance.

Natera, Inc.
Classification: Uncertain significance for Mucopolysaccharidosis type IIIB. Last evaluated: 2020-01-17. Review status: no assertion criteria provided. Collection method: clinical testing. Allele origin: germline. Not counted in ClinVar's aggregate classification.

Counsyl
Classification: Uncertain significance for Mucopolysaccharidosis, MPS-III-B. Last evaluated: 2017-05-17. Review status: no assertion criteria provided. Collection method: clinical testing. Allele origin: unknown. Not counted in ClinVar's aggregate classification.

NM_000263.4(NAGLU):c.202_203insCCG (p.Leu67_Gly68insAla)

Genes: NAGLU (N-acetyl-alpha-glucosaminidase; plus strand), LOC130060903 (ATAC-STARR-seq lymphoblastoid silent region 8533; plus strand). Cytogenetic location: 17q21.2.
Variant type: Insertion.
Coding change: c.202_203insCCG on transcript NM_000263.4 (MANE Select); coding-DNA positions 202 to 203, CCG inserted.
Protein change: p.Leu67_Gly68insAla.
Molecular consequence: inframe insertion.
Genome position: GRCh38 VCF-style: chr17-42536473-G-GGCC. GRCh37 (hg19) VCF-style: chr17-40688491-G-GGCC.
Identifiers: ClinVar variation 551933 (VCV000551933.9), dbSNP rs1469781984, ClinGen allele CA658823942.